The following is an entry in ClinVar:

ClinVar aggregate classification (germline): Uncertain significance (1 of 4 stars; one submission).

Submission:

Labcorp Genetics (formerly Invitae), Labcorp
Classification: Uncertain significance. Last evaluated: 2024-08-12. Review status: criteria provided, single submitter. Criteria: Invitae Variant Classification Sherloc (09022015). Collection method: clinical testing. Allele origin: germline.
Comment: This sequence change replaces tyrosine, which is neutral and polar, with histidine, which is basic and polar, at codon 1312 of the ATR protein (p.Tyr1312His). This variant is not present in population databases (gnomAD no frequency). This variant has not been reported in the literature in individuals affected with ATR-related conditions. An algorithm developed to predict the effect of missense changes on protein structure and function (PolyPhen-2) suggests that this variant is likely to be tolerated. In summary, the available evidence is currently insufficient to determine the role of this variant in disease. Therefore, it has been classified as a Variant of Uncertain Significance.

NM_001184.4(ATR):c.3934T>C (p.Tyr1312His)

Gene: ATR (ATR checkpoint kinase; minus strand). Cytogenetic location: 3q23.
Variant type: single nucleotide variant.
Coding change: c.3934T>C on transcript NM_001184.4 (MANE Select); coding-DNA position 3934, T replaced by C.
Protein change: p.Tyr1312His; replaces tyrosine 1312 with histidine.
Molecular consequence: missense variant.
Genome position (GRCh38, 1-based): chr3:142,535,091, A>G on the plus strand (T>C on the coding strand, the complement: ATR is on the minus strand). VCF-style: chr3-142535091-A-G. GRCh37 (hg19) VCF-style: chr3-142253933-A-G.
Other names: c.3742T>C, p.Tyr1248His (NM_001354579.2); short protein forms Y1248H, Y1312H.
Identifiers: ClinVar variation 3669813 (VCV003669813.2).